The following is an entry in ClinVar:

NM_001098511.3(KIF2A):c.1639G>A (p.Ala547Thr)

Gene: KIF2A (kinesin family member 2A; plus strand). Cytogenetic location: 5q12.1.
Variant type: single nucleotide variant.
Coding change: c.1639G>A on transcript NM_001098511.3 (MANE Select); coding-DNA position 1639, G replaced by A.
Protein change: p.Ala547Thr; replaces alanine 547 with threonine.
Molecular consequence: missense variant.
Genome position (GRCh38, 1-based): chr5:62,366,474, G>A. VCF-style: chr5-62366474-G-A. GRCh37 (hg19) VCF-style: chr5-61662301-G-A.
Other names: c.1558G>A, p.Ala520Thr (NM_001243952.2); c.1582G>A, p.Ala528Thr (NM_001243953.2); c.1639G>A, p.Ala547Thr (NM_004520.5); short protein forms A520T, A528T, A547T.
Identifiers: ClinVar variation 4071604 (VCV004071604.1).

ClinVar aggregate classification (germline): Uncertain significance (1 of 4 stars; one submission).

Submission:

GeneDx
Classification: Uncertain significance. Last evaluated: 2025-01-26. Review status: criteria provided, single submitter. Criteria: GeneDx Variant Classification Process June 2021. Collection method: clinical testing. Allele origin: germline. Affected: yes.
Comment: Not observed at significant frequency in large population cohorts (gnomAD); In silico analysis supports that this missense variant has a deleterious effect on protein structure/function; Has not been previously published as pathogenic or benign to our knowledge